The following is an entry in ClinVar:

ClinVar aggregate classification (germline): Benign (1 of 4 stars; one submission).

Allele frequency attached by ClinVar (database versions not stated): gnomAD 0.37623 and 0.37845; 1000 Genomes Project 0.37899; TOPMed 0.37976; 1000 Genomes Project 30x 0.38570.
gnomAD v4.1: 56,850 of 151,698 alleles (37%); highest among the groups gnomAD compares: African/African-American, 47%; 11,075 homozygotes.

Submission:

GeneDx
Classification: Benign. Last evaluated: 2018-06-14. Review status: criteria provided, single submitter. Criteria: GeneDx Variant Classification (06012015). Collection method: clinical testing. Allele origin: germline. Affected: yes.
Comment: This variant is considered likely benign or benign based on one or more of the following criteria: it is a conservative change, it occurs at a poorly conserved position in the protein, it is predicted to be benign by multiple in silico algorithms, and/or has population frequency not consistent with disease.

NM_001330078.2(NRXN1):c.3245-241T>C

Gene: NRXN1 (neurexin 1; minus strand). Cytogenetic location: 2p16.3.
Variant type: single nucleotide variant.
Coding change: c.3245-241T>C on transcript NM_001330078.2 (MANE Select); 241 bases into the intron before coding-DNA position 3245, T replaced by C.
Molecular consequence: intron variant.
Genome position (GRCh38, 1-based): chr2:50,465,802, A>G on the plus strand (T>C on the coding strand, the complement: NRXN1 is on the minus strand). VCF-style: chr2-50465802-A-G. GRCh37 (hg19) VCF-style: chr2-50692940-A-G.
Other names: c.3134-241T>C (NM_001330096.2, NM_001330087.2); c.3179-241T>C (NM_001330083.2, NM_001330084.2); c.3164-241T>C (NM_001330088.2); c.3242-241T>C (NM_001330093.2); c.3233-241T>C (NM_001330094.2); c.3194-241T>C (NM_001330095.2); c.3221-241T>C (NM_001330082.2, NM_001330077.2); c.3218-241T>C (NM_001330085.2); and 2 more.
Identifiers: ClinVar variation 667710 (VCV000667710.1), dbSNP rs13398860, ClinGen allele CA47322665.